The following is an entry in ClinVar:

NM_020822.3(KCNT1):c.1192C>T (p.Arg398Trp)

Gene: KCNT1 (potassium sodium-activated channel subfamily T member 1; plus strand). Cytogenetic location: 9q34.3.
Variant type: single nucleotide variant.
Coding change: c.1192C>T on transcript NM_020822.3 (MANE Select); coding-DNA position 1192, C replaced by T.
Protein change: p.Arg398Trp; replaces arginine 398 with tryptophan.
Molecular consequence: missense variant.
Genome position (GRCh38, 1-based): chr9:135,765,187, C>T. VCF-style: chr9-135765187-C-T. GRCh37 (hg19) VCF-style: chr9-138657033-C-T.
Other names: c.1057C>T, p.Arg353Trp (NM_001272003.2); short protein forms R353W, R398W.
Identifiers: ClinVar variation 835730 (VCV000835730.11), dbSNP rs779209462, ClinGen allele CA5326792.

ClinVar aggregate classification (germline): Uncertain significance. Review status: criteria provided, multiple submitters, no conflicts (2 of 4 stars). 4 submissions from 4 submitters: Uncertain significance (4). Last evaluated 2026-05-08.

Conditions:
KCNT1-related disorder. Also called: KCNT1-related condition.
Developmental and epileptic encephalopathy, 14 (DEE14). Also called: Early infantile epileptic encephalopathy 14. Identifiers: Orphanet 293181, MedGen C3554195, MONDO:0013989, OMIM 614959.
Autosomal dominant nocturnal frontal lobe epilepsy 5. Also called: Epilepsy, nocturnal frontal lobe, 5; KCNT1-Related Epilepsy; CILIARY DYSKINESIA, PRIMARY, 28, WITHOUT SITUS INVERSUS; CILIARY DYSKINESIA, PRIMARY, 28, WITH SITUS INVERSUS. Identifiers: Orphanet 98784, MedGen C3554306, MONDO:0014002, OMIM 615005.
Inborn genetic diseases. Identifiers: MedGen C0950123, MeSH D030342.

Allele frequency attached by ClinVar (database versions not stated): ExAC 0.00002; gnomAD 0.00002 and 0.00003; gnomAD exomes 0.00002; TOPMed 0.00004.
gnomAD v4.1: 29 of 1,611,270 alleles (0.0018%); highest among the groups gnomAD compares: Middle Eastern, 0.016%; no homozygotes.

Submissions (4):

Women's Health and Genetics/Laboratory Corporation of America, LabCorp
Classification: Uncertain significance. Last evaluated: 2026-05-08. Review status: criteria provided, single submitter. Criteria: LabCorp Variant Classification Summary - May 2015. Collection method: clinical testing. Allele origin: germline.
Comment: Variant summary: KCNT1 c.1192C>T (p.Arg398Trp) results in a non-conservative amino acid change in the encoded protein sequence. Algorithms developed to predict the effect of missense changes on protein structure and function are either unavailable or do not agree on the potential impact of this missense change. The variant allele was found at a frequency of 1.6e-05 in 250802 control chromosomes. The available data on variant occurrences in the general population are insufficient to allow any conclusion about variant significance. To our knowledge, no occurrence of c.1192C>T in individuals affected with KCNT1-related conditions and no experimental evidence demonstrating its impact on protein function have been reported. ClinVar contains an entry for this variant (Variation ID: 835730). Based on the evidence outlined above, the variant was classified as uncertain significance.

PreventionGenetics, part of Exact Sciences
Classification: Uncertain significance for KCNT1-related condition. Last evaluated: 2026-04-27. Review status: criteria provided, single submitter. Criteria: ACMG Guidelines, 2015. Collection method: clinical testing. Allele origin: germline.
Comment: The KCNT1 c.1192C>T variant is predicted to result in the amino acid substitution p.Arg398Trp. To our knowledge, this variant has not been reported in the literature. Alternative nucleotide changes affecting the same amino acid (p.Arg398Gln, p.Arg398Leu), have been reported in individuals with epilepsy (Heron et al. 2012. PubMed ID: 23086396; Bonardi et al. 2021. PubMed ID: 34114611). This variant is reported in 0.0033% of alleles in individuals of South Asian descent in gnomAD. At this time, the clinical significance of this variant is uncertain due to the absence of conclusive functional and genetic evidence.

Labcorp Genetics (formerly Invitae), Labcorp
Classification: Uncertain significance for Autosomal dominant nocturnal frontal lobe epilepsy 5; Developmental and epileptic encephalopathy, 14. Last evaluated: 2025-05-22. Review status: criteria provided, single submitter. Criteria: Invitae Variant Classification Sherloc (09022015). Collection method: clinical testing. Allele origin: germline.
Comment: This sequence change replaces arginine, which is basic and polar, with tryptophan, which is neutral and slightly polar, at codon 398 of the KCNT1 protein (p.Arg398Trp). This variant is present in population databases (rs779209462, gnomAD 0.003%). This variant has not been reported in the literature in individuals affected with KCNT1-related conditions. ClinVar contains an entry for this variant (Variation ID: 835730). Invitae Evidence Modeling of protein sequence and biophysical properties (such as structural, functional, and spatial information, amino acid conservation, physicochemical variation, residue mobility, and thermodynamic stability) indicates that this missense variant is not expected to disrupt KCNT1 protein function with a negative predictive value of 80%. This variant disrupts the p.Arg398 amino acid residue in KCNT1. Other variant(s) that disrupt this residue have been determined to be pathogenic (PMID: 23086396, 25482562, 26122718, 26140313). This suggests that this residue is clinically significant, and that variants that disrupt this residue are likely to be disease-causing. In summary, the available evidence is currently insufficient to determine the role of this variant in disease. Therefore, it has been classified as a Variant of Uncertain Significance.

Ambry Genetics
Classification: Uncertain significance for Inborn genetic diseases. Last evaluated: 2024-03-14. Review status: criteria provided, single submitter. Criteria: Ambry Variant Classification Scheme 2023. Collection method: clinical testing. Allele origin: germline.

Literature cited by the submitters: PubMed 23086396 (cited by Labcorp Genetics (formerly Invitae), Labcorp); PubMed 25482562 (cited by Labcorp Genetics (formerly Invitae), Labcorp); PubMed 26122718 (cited by Labcorp Genetics (formerly Invitae), Labcorp); PubMed 26140313 (cited by Labcorp Genetics (formerly Invitae), Labcorp).